The following is an entry in ClinVar:

ClinVar aggregate classification (germline): Uncertain significance (1 of 4 stars; one submission).

Submission:

Labcorp Genetics (formerly Invitae), Labcorp
Classification: Uncertain significance. Last evaluated: 2025-03-27. Review status: criteria provided, single submitter. Criteria: Invitae Variant Classification Sherloc (09022015). Collection method: clinical testing. Allele origin: germline.
Comment: This sequence change replaces proline, which is neutral and non-polar, with threonine, which is neutral and polar, at codon 1487 of the ABCA3 protein (p.Pro1487Thr). This variant is not present in population databases (gnomAD no frequency). This variant has not been reported in the literature in individuals affected with ABCA3-related conditions. Invitae Evidence Modeling of protein sequence and biophysical properties (such as structural, functional, and spatial information, amino acid conservation, physicochemical variation, residue mobility, and thermodynamic stability) has been performed for this missense variant. However, the output from this modeling did not meet the statistical confidence thresholds required to predict the impact of this variant on ABCA3 protein function. In summary, the available evidence is currently insufficient to determine the role of this variant in disease. Therefore, it has been classified as a Variant of Uncertain Significance.

NM_001089.3(ABCA3):c.4459C>A (p.Pro1487Thr)

Gene: ABCA3 (ATP binding cassette subfamily A member 3; minus strand). Cytogenetic location: 16p13.3.
Variant type: single nucleotide variant.
Coding change: c.4459C>A on transcript NM_001089.3 (MANE Select); coding-DNA position 4459, C replaced by A.
Protein change: p.Pro1487Thr; replaces proline 1487 with threonine.
Molecular consequence: missense variant.
Genome position (GRCh38, 1-based): chr16:2,279,031, G>T on the plus strand (C>A on the coding strand, the complement: ABCA3 is on the minus strand). VCF-style: chr16-2279031-G-T. GRCh37 (hg19) VCF-style: chr16-2329032-G-T.
Other names: short protein forms P1487T.
Identifiers: ClinVar variation 3682072 (VCV003682072.2).